The following is an entry in ClinVar:

ClinVar aggregate classification (germline): Uncertain significance (1 of 4 stars; one submission).

Submission:

Dasa
Classification: Uncertain significance. Last evaluated: 2024-07-15. Review status: criteria provided, single submitter. Criteria: DASA Assertion Criteria. Collection method: clinical testing. Allele origin: germline.
Comment: NM_013275.6(ANKRD11):c.1110C>G (p.Asp370Glu) is a missense variant that results in the substitution of aspartic acid with glutamic acid. This variant is rare in population databases. Computational prediction algorithms are consistent with a benign effect. The currently available literature and clinical evidence are not sufficient to establish a definitive association between this variant and the reported condition. Therefore, this variant is classified as a variant of uncertain significance.

NM_013275.6(ANKRD11):c.1110C>G (p.Asp370Glu)

Gene: ANKRD11 (ankyrin repeat domain 11; minus strand). Cytogenetic location: 16q24.3.
Variant type: single nucleotide variant.
Coding change: c.1110C>G on transcript NM_013275.6 (MANE Select); coding-DNA position 1110, C replaced by G.
Protein change: p.Asp370Glu; replaces aspartic acid 370 with glutamic acid.
Molecular consequence: missense variant.
Genome position (GRCh38, 1-based): chr16:89,285,432, G>C on the plus strand (C>G on the coding strand, the complement: ANKRD11 is on the minus strand). VCF-style: chr16-89285432-G-C. GRCh37 (hg19) VCF-style: chr16-89351840-G-C.
Other names: c.1110C>G, p.Asp370Glu (NM_001256182.2, NM_001256183.2); short protein forms D370E.
Identifiers: ClinVar variation 4885906 (VCV004885906.2).